The following is an entry in ClinVar:

NM_001048174.2(MUTYH):c.270A>C (p.Glu90Asp)

Gene: MUTYH (mutY DNA glycosylase; minus strand). Cytogenetic location: 1p34.1.
Variant type: single nucleotide variant.
Coding change: c.270A>C on transcript NM_001048174.2 (MANE Select); coding-DNA position 270, A replaced by C.
Protein change: p.Glu90Asp; replaces glutamic acid 90 with aspartic acid.
Molecular consequence: missense variant. On other transcripts: 5 prime UTR variant (6), non-coding transcript variant (7).
Genome position (GRCh38, 1-based): chr1:45,333,319, T>G on the plus strand (A>C on the coding strand, the complement: MUTYH is on the minus strand). VCF-style: chr1-45333319-T-G. GRCh37 (hg19) VCF-style: chr1-45798991-T-G.
Other names: c.273A>C, p.Glu91Asp (NM_001048172.2, NM_001407079.1, NM_001407086.1 and 2 more transcripts); c.270A>C, p.Glu90Asp (NM_001048173.2, NM_001293195.2, NM_001407080.1 and 6 more transcripts); c.354A>C, p.Glu118Asp (NM_001128425.2); c.315A>C, p.Glu105Asp (NM_001293190.2); c.303A>C, p.Glu101Asp (NM_001293191.2, NM_001407077.1); c.-7A>C (NM_001293192.2, NM_001293196.2, NM_001407091.1); c.-2A>C (NM_001350650.2, NM_001407082.1, NM_001350651.2); c.312A>C, p.Glu104Asp (NM_001407083.1, NM_001407085.1, NM_001407073.1); and 3 more; short protein forms E101D, E91D, E97D, E90D, E105D, E115D, E104D, E118D.
Identifiers: ClinVar variation 4113617 (VCV004113617.1).

ClinVar aggregate classification (germline): Uncertain significance (1 of 4 stars; one submission).

Conditions:
Hereditary cancer-predisposing syndrome. Also called: Hereditary neoplastic syndrome; Neoplastic Syndromes, Hereditary; Tumor predisposition; Hereditary Cancer Syndrome. Identifiers: Orphanet 140162, MedGen C0027672, MeSH D009386, MONDO:0015356.

Submission:

Ambry Genetics
Classification: Uncertain significance for Hereditary cancer-predisposing syndrome. Last evaluated: 2025-08-27. Review status: criteria provided, single submitter. Criteria: Ambry Variant Classification Scheme 2023. Collection method: clinical testing. Allele origin: germline.
Comment: The p.E118D variant (also known as c.354A>C), located in coding exon 4 of the MUTYH gene, results from an A to C substitution at nucleotide position 354. The glutamic acid at codon 118 is replaced by aspartic acid, an amino acid with highly similar properties. This amino acid position is conserved. In addition, this alteration is predicted to be tolerated by in silico analysis. Based on the available evidence, the clinical significance of this variant remains unclear.